The following is an entry in ClinVar:

NM_006005.3(WFS1):c.1264G>T (p.Ala422Ser)

Gene: WFS1 (wolframin ER transmembrane glycoprotein; plus strand). Cytogenetic location: 4p16.1.
Variant type: single nucleotide variant.
Coding change: c.1264G>T on transcript NM_006005.3 (MANE Select); coding-DNA position 1264, G replaced by T.
Protein change: p.Ala422Ser; replaces alanine 422 with serine.
Molecular consequence: missense variant.
Genome position (GRCh38, 1-based): chr4:6,301,059, G>T. VCF-style: chr4-6301059-G-T. GRCh37 (hg19) VCF-style: chr4-6302786-G-T.
Other names: c.1264G>T, p.Ala422Ser (NM_001145853.1); short protein forms A422S.
Identifiers: ClinVar variation 1929358 (VCV001929358.5), dbSNP rs773280611, ClinGen allele CA2839290.
Genomic context (GRCh38, chr4:6,301,059, plus strand): 5'-CTGGAGCCCTATGCCCATTTCCTGCTCTCTGTCTTCTTCGTCATCTTCTCCTTCCCCATC[G>T]CCAGCAAGGACTGCATCCCCTGCTCGGAGCTGGCTGTCATCACCGGCTTCTTTACCGTGA-3'
Protein context (NP_005996.2, residues 412-432): VFFVIFSFPI[Ala422Ser]SKDCIPCSEL

ClinVar aggregate classification (germline): Uncertain significance (1 of 4 stars; one submission).

Submission:

Labcorp Genetics (formerly Invitae), Labcorp
Classification: Uncertain significance. Last evaluated: 2026-01-18. Review status: criteria provided, single submitter. Criteria: Invitae Variant Classification Sherloc (09022015). Collection method: clinical testing. Allele origin: germline.
Comment: This sequence change replaces alanine, which is neutral and non-polar, with serine, which is neutral and polar, at codon 422 of the WFS1 protein (p.Ala422Ser). This variant is present in population databases (rs773280611, gnomAD 0.02%). This missense change has been observed in individual(s) with deafness (PMID: 32382995). ClinVar contains an entry for this variant (Variation ID: 1929358). Invitae Evidence Modeling of protein sequence and biophysical properties (such as structural, functional, and spatial information, amino acid conservation, physicochemical variation, residue mobility, and thermodynamic stability) indicates that this missense variant is not expected to disrupt WFS1 protein function with a negative predictive value of 95%. In summary, the available evidence is currently insufficient to determine the role of this variant in disease. Therefore, it has been classified as a Variant of Uncertain Significance.

Literature cited by the submitters: PubMed 32382995.